The following is an entry in ClinVar:

NM_001286.5(CLCN6):c.840+3G>C

Gene: CLCN6 (Cl-/H+ antiporter 6; plus strand). Cytogenetic location: 1p36.22.
Variant type: single nucleotide variant.
Coding change: c.840+3G>C on transcript NM_001286.5 (MANE Select); 3 bases into the intron after coding-DNA position 840, G replaced by C.
Molecular consequence: intron variant.
Genome position (GRCh38, 1-based): chr1:11,827,224, G>C. VCF-style: chr1-11827224-G-C. GRCh37 (hg19) VCF-style: chr1-11887281-G-C.
Other names: c.774+3G>C (NM_001256959.2).
Identifiers: ClinVar variation 5017682 (VCV005017682.1).

ClinVar aggregate classification (germline): Uncertain significance (1 of 4 stars; one submission).

Submission:

GeneDx
Classification: Uncertain significance. Last evaluated: 2026-03-30. Review status: criteria provided, single submitter. Criteria: GeneDx Variant Classification Process June 2021. Collection method: clinical testing. Allele origin: germline.
Comment: Not observed at significant frequency in large population cohorts (gnomAD); In silico analysis supports a deleterious effect on splicing; Has not been previously published as pathogenic or benign to our knowledge